The following is an entry in ClinVar:

NM_000059.4(BRCA2):c.4275T>A (p.Asp1425Glu)

Gene: BRCA2 (BRCA2 DNA repair associated; plus strand). Cytogenetic location: 13q13.1.
Variant type: single nucleotide variant.
Coding change: c.4275T>A on transcript NM_000059.4 (MANE Select); coding-DNA position 4275, T replaced by A.
Protein change: p.Asp1425Glu; replaces aspartic acid 1425 with glutamic acid.
Molecular consequence: missense variant. On other transcripts: intron variant (2), non-coding transcript variant (1).
Genome position (GRCh38, 1-based): chr13:32,338,630, T>A. VCF-style: chr13-32338630-T-A. GRCh37 (hg19) VCF-style: chr13-32912767-T-A.
Other names: c.1909+5243T>A (NM_001406721.1); c.425-5928T>A (NM_001406722.1); c.4275T>A, p.Asp1425Glu (NM_001406719.1, NM_001406720.1); short protein forms D1425E.
Identifiers: ClinVar variation 2774908 (VCV002774908.3), dbSNP rs2137504723, ClinGen allele CA387780577.

ClinVar aggregate classification (germline): Uncertain significance. Review status: criteria provided, multiple submitters, no conflicts (2 of 4 stars). 2 submissions from 2 submitters: Uncertain significance (2). Last evaluated 2023-12-10.

Conditions:
Hereditary cancer-predisposing syndrome. Also called: Neoplastic Syndromes, Hereditary; Tumor predisposition; Hereditary Cancer Syndrome; Hereditary neoplastic syndrome. Identifiers: Orphanet 140162, MedGen C0027672, MeSH D009386, MONDO:0015356.

Submissions (2):

Ambry Genetics
Classification: Uncertain significance for Hereditary cancer-predisposing syndrome. Last evaluated: 2023-12-10. Review status: criteria provided, single submitter. Criteria: Ambry Variant Classification Scheme 2023. Collection method: clinical testing. Allele origin: germline.
Comment: The p.D1425E variant (also known as c.4275T>A), located in coding exon 10 of the BRCA2 gene, results from a T to A substitution at nucleotide position 4275. The aspartic acid at codon 1425 is replaced by glutamic acid, an amino acid with highly similar properties. This amino acid position is conserved. In addition, this alteration is predicted to be tolerated by in silico analysis. Since supporting evidence is limited at this time, the clinical significance of this alteration remains unclear.

Color Diagnostics, LLC DBA Color Health
Classification: Uncertain significance for Hereditary cancer-predisposing syndrome. Last evaluated: 2023-03-28. Review status: criteria provided, single submitter. Criteria: ACMG Guidelines, 2015. Collection method: clinical testing. Allele origin: germline.
Comment: This missense variant replaces aspartic acid with glutamic acid at codon 1425 of the BRCA2 protein. Computational prediction suggests that this variant may not impact protein structure and function (internally defined REVEL score threshold <= 0.5, PMID: 27666373). To our knowledge, functional studies have not been reported for this variant. This variant has not been reported in individuals affected with BRCA2-related disorders in the literature. This variant has not been identified in the general population by the Genome Aggregation Database (gnomAD). The available evidence is insufficient to determine the role of this variant in disease conclusively. Therefore, this variant is classified as a Variant of Uncertain Significance.